The following is an entry in ClinVar:

ClinVar aggregate classification (germline): Uncertain significance. Review status: criteria provided, multiple submitters, no conflicts (2 of 4 stars). 2 submissions from 2 submitters: Uncertain significance (2). Last evaluated 2026-05-18.

gnomAD v4.1: 10 of 1,612,604 alleles (0.00062%); highest among the groups gnomAD compares: Non-Finnish European, 0.00076%; no homozygotes.

Submissions (2):

Women's Health and Genetics/Laboratory Corporation of America, LabCorp
Classification: Uncertain significance. Last evaluated: 2026-05-18. Review status: criteria provided, single submitter. Criteria: LabCorp Variant Classification Summary - May 2015. Collection method: clinical testing. Allele origin: germline.
Comment: Variant summary: ADGRV1 c.11035G>A (p.Glu3679Lys) results in a conservative amino acid change in the encoded protein sequence. Algorithms developed to predict the effect of missense changes on protein structure and function are either unavailable or do not agree on the potential impact of this missense change. The variant was absent in 248828 control chromosomes. The available data on variant occurrences in the general population are insufficient to allow any conclusion about variant significance. To our knowledge, no occurrence of c.11035G>A in individuals affected with ADGRV1-related conditions and no experimental evidence demonstrating its impact on protein function have been reported. ClinVar contains an entry for this variant (Variation ID: 1370019). Based on the evidence outlined above, the variant was classified as uncertain significance.

Labcorp Genetics (formerly Invitae), Labcorp
Classification: Uncertain significance. Last evaluated: 2022-02-05. Review status: criteria provided, single submitter. Criteria: Invitae Variant Classification Sherloc (09022015). Collection method: clinical testing. Allele origin: germline.
Comment: This sequence change replaces glutamic acid, which is acidic and polar, with lysine, which is basic and polar, at codon 3679 of the ADGRV1 protein (p.Glu3679Lys). This variant is not present in population databases (gnomAD no frequency). This missense change has been observed in individual(s) with clinical features of DGRV1-related conditions (Invitae). Algorithms developed to predict the effect of missense changes on protein structure and function are either unavailable or do not agree on the potential impact of this missense change (SIFT: "Deleterious"; PolyPhen-2: "Possibly Damaging"; Align-GVGD: "Class C0"). In summary, the available evidence is currently insufficient to determine the role of this variant in disease. Therefore, it has been classified as a Variant of Uncertain Significance.

NM_032119.4(ADGRV1):c.11035G>A (p.Glu3679Lys)

Gene: ADGRV1 (adhesion G protein-coupled receptor V1; plus strand). Cytogenetic location: 5q14.3.
Variant type: single nucleotide variant.
Coding change: c.11035G>A on transcript NM_032119.4 (MANE Select); coding-DNA position 11035, G replaced by A.
Protein change: p.Glu3679Lys; replaces glutamic acid 3679 with lysine.
Molecular consequence: missense variant. On other transcripts: non-coding transcript variant (1).
Genome position (GRCh38, 1-based): chr5:90,750,611, G>A. VCF-style: chr5-90750611-G-A. GRCh37 (hg19) VCF-style: chr5-90046428-G-A.
Other names: short protein forms E3679K.
Identifiers: ClinVar variation 1370019 (VCV001370019.6), dbSNP rs1466383869, ClinGen allele CA360362844.